The following is an entry in ClinVar:

NM_000059.4(BRCA2):c.4794C>G (p.Leu1598=)

Gene: BRCA2 (BRCA2 DNA repair associated; plus strand). Cytogenetic location: 13q13.1.
Variant type: single nucleotide variant.
Coding change: c.4794C>G on transcript NM_000059.4 (MANE Select); coding-DNA position 4794, C replaced by G.
Protein change: p.Leu1598=; no amino-acid change (leucine 1598 retained).
Molecular consequence: synonymous variant.
Genome position (GRCh38, 1-based): chr13:32,339,149, C>G. VCF-style: chr13-32339149-C-G. GRCh37 (hg19) VCF-style: chr13-32913286-C-G.
Other names: c.4794C>G (NM_000059.3).
Identifiers: ClinVar variation 1049360 (VCV001049360.3), dbSNP rs1294850148, ClinGen allele CA483438340.
Genomic context (GRCh38, chr13:32,339,149, plus strand): 5'-AGCATGTGAGACCATTGAGATCACAGCTGCCCCAAAGTGTAAAGAAATGCAGAATTCTCT[C>G]AATAATGATAAAAACCTTGTTTCTATTGAGACTGTGGTGCCACCTAAGCTCTTAAGTGAT-3'
Protein context (NP_000050.3, residues 1588-1608): APKCKEMQNS[Leu1598=]NNDKNLVSIE

ClinVar aggregate classification (germline): Likely benign. Review status: criteria provided, single submitter (1 of 4 stars). 2 submissions from 2 submitters: Likely benign (1). 1 of the submissions does not count toward it. Last evaluated 2025-10-31.

Conditions:
Hereditary cancer-predisposing syndrome. Also called: Tumor predisposition; Hereditary neoplastic syndrome; Hereditary Cancer Syndrome; Neoplastic Syndromes, Hereditary. Identifiers: Orphanet 140162, MedGen C0027672, MeSH D009386, MONDO:0015356.
Malignant tumor of breast. Also called: Malignant breast neoplasm; Cancer breast. Identifiers: MedGen C0006142, MONDO:0007254. Disease mechanism: loss of function.

gnomAD v4.1: 3 of 1,613,900 alleles (0.00019%); highest among the groups gnomAD compares: Middle Eastern, 0.017%; no homozygotes.

Submissions (2):

Ambry Genetics
Classification: Likely benign for Hereditary cancer-predisposing syndrome. Last evaluated: 2025-10-31. Review status: criteria provided, single submitter. Criteria: Ambry Variant Classification Scheme 2023. Collection method: clinical testing. Allele origin: germline.

Department of Pathology and Laboratory Medicine, Sinai Health System
Classification: Likely benign for Malignant tumor of breast. Review status: no assertion criteria provided. Collection method: clinical testing. Allele origin: unknown. Affected: yes. Observed: 2 variant alleles. Study: The Canadian Open Genetics Repository (COGR). Not counted in ClinVar's aggregate classification.
Comment: The BRCA2 p.Leu1598= variant was not identified in the literature nor was it identified in the following databases: dbSNP, ClinVar, GeneInsight-COGR, Cosmic, MutDB, LOVD 3.0, UMD-LSDB, BIC Database, ARUP Laboratories, or the Zhejiang Colon Cancer Database. The variant was identified in control databases in 1 of 245322 chromosomes at a frequency of 0.000004 (Genome Aggregation Database Feb 27, 2017). Breakdown of the observations by population include and South Asian in 1 of 30756 chromosomes (freq: 0.00003). The variant was not observed in the African, Other, Latino, European, Ashkenazi Jewish, East Asian, or Finnish populations. The p.Leu1598 residue is not conserved in mammals increasing the likelihood that this variant does not have clinical significance. The p.Leu1598= variant is also not expected to have clinical significance because it does not result in a change of amino acid and is not located in a known consensus splice site. In addition, in silico or computational prediction software programs (SpliceSiteFinder, MaxEntScan, NNSPLICE, GeneSplicer, HumanSpliceFinder) do not predict a difference in splicing. In summary, based on the above information the clinical significance of this variant cannot be determined with certainty at this time although we would lean towards a more benign role for this variant. This variant is classified as likely benign.